The following is an entry in ClinVar:

NM_182916.3(TRNT1):c.366_370del (p.Leu125fs)

Gene: TRNT1 (tRNA nucleotidyl transferase 1; plus strand). Cytogenetic location: 3p26.2.
Variant type: Deletion.
Coding change: c.366_370del on transcript NM_182916.3 (MANE Select); coding-DNA positions 366 to 370, 5 bases deleted (TACTA; older notation c.366_370delTACTA).
Protein change: p.Leu125fs; shifts the reading frame from leucine 125.
Molecular consequence: frameshift variant. On other transcripts: non-coding transcript variant (6).
Genome position (GRCh38, 1-based): chr3:3,140,533-3,140,537, TACTA deleted. VCF-style (leftmost placement, unchanged base first): chr3-3140532-TTACTA-T. GRCh37 (hg19) VCF-style: chr3-3182216-TTACTA-T.
Other names: c.366_370del, p.Leu125fs (NM_001302946.2, NM_001367321.1, NM_001367322.1 and 1 more transcripts); short protein forms L125fs.
Identifiers: ClinVar variation 5006606 (VCV005006606.2).

ClinVar aggregate classification (germline): Likely pathogenic (1 of 4 stars; one submission).

Conditions:
Retinitis pigmentosa and erythrocytic microcytosis (RPEM). Identifiers: MedGen C4310776, MONDO:0014850, OMIM 616959.
Congenital sideroblastic anemia-B-cell immunodeficiency-periodic fever-developmental delay syndrome. Also called: Sideroblastic anemia with B-cell immunodeficiency, periodic fevers, and developmental delay. Identifiers: Orphanet 369861, MedGen C4015172, MONDO:0014487, OMIM 616084.

Submission:

Juno Genomics, Hangzhou Juno Genomics, Inc
Classification: Likely pathogenic for Retinitis pigmentosa and erythrocytic microcytosis; Congenital sideroblastic anemia-B-cell immunodeficiency-periodic fever-developmental delay syndrome. Review status: criteria provided, single submitter. Criteria: ACMG Guidelines, 2015. Collection method: clinical testing. Allele origin: germline.
Comment: Null variant in a gene where loss of function (LOF) is a known mechanism of disease.;Absent from controls (or at extremely low frequency if recessive) in Genome Aggregation Database.